The following is an entry in ClinVar:

NM_004174.4(SLC9A3):c.1446+1delinsCA

Gene: SLC9A3 (solute carrier family 9 member A3). Cytogenetic location: 5p15.33.
Variant type: Indel.
Coding change: c.1446+1delinsCA on transcript NM_004174.4 (MANE Select); the canonical splice donor site of the intron after coding-DNA position 1446, the reference bases replaced by CA.
Molecular consequence: splice donor variant.
Genome position: GRCh38 VCF-style: chr5-482067-C-TG. GRCh37 (hg19) VCF-style: chr5-482182-C-TG.
Other names: c.1419+1delinsCA (NM_001284351.3).
Identifiers: ClinVar variation 3255340 (VCV003255340.1).

ClinVar aggregate classification (germline): Pathogenic (1 of 4 stars; one submission).

Conditions:
Congenital secretory sodium diarrhea 8. Identifiers: Orphanet 103908, MedGen C5441928, MONDO:0014808, OMIM 616868.

Submission:

Aleixo Muise Laboratory, Hospital For Sick Children
Classification: Pathogenic for Congenital secretory sodium diarrhea 8. Last evaluated: 2024-07-05. Review status: criteria provided, single submitter. Criteria: ACMG Guidelines, 2015. Collection method: research. Allele origin: germline. Affected: yes. Observed: 1 variant allele.
Comment: PVS1;PM2;PP3;PP4